The following is an entry in ClinVar:

ClinVar aggregate classification (germline): Likely benign. Review status: criteria provided, multiple submitters, no conflicts (2 of 4 stars). 3 submissions from 3 submitters: Likely benign (3). Last evaluated 2026-01-20.

Conditions:
Primary ciliary dyskinesia. Also called: Ciliary dyskinesia. Identifiers: Orphanet 244, MedGen C0008780, MONDO:0016575, HP:0012265.

Allele frequency attached by ClinVar (database versions not stated): 1000 Genomes Project 30x 0.00047; 1000 Genomes Project 0.00060; gnomAD exomes 0.00112; ExAC 0.00117; gnomAD 0.00132 and 0.00137; TOPMed 0.00133; ESP Exome Variant Server 0.00177.
gnomAD v4.1: 2,734 of 1,611,160 alleles (0.17%); highest among the groups gnomAD compares: Non-Finnish European, 0.21%; 3 homozygotes.

Submissions (3):

Labcorp Genetics (formerly Invitae), Labcorp
Classification: Likely benign for Primary ciliary dyskinesia. Last evaluated: 2026-01-20. Review status: criteria provided, single submitter. Criteria: Invitae Variant Classification Sherloc (09022015). Collection method: clinical testing. Allele origin: germline.

Blueprint Genetics
Classification: Likely benign. Last evaluated: 2024-11-11. Review status: criteria provided, single submitter. Criteria: ACMG Guidelines, 2015. Collection method: clinical testing. Allele origin: germline.

CeGaT Center for Human Genetics Tuebingen
Classification: Likely benign. Last evaluated: 2022-09-01. Review status: criteria provided, single submitter. Criteria: CeGaT Center For Human Genetics Tuebingen Variant Classification Criteria Version 2. Collection method: clinical testing. Allele origin: germline. Affected: yes. Observed: 1 variant allele.
Comment: DNAH8: BP4, BP7

NM_001206927.2(DNAH8):c.11379G>A (p.Thr3793=)

Genes: DNAH8 (dynein axonemal heavy chain 8; plus strand), DNAH8-AS1 (DNAH8 antisense RNA 1; minus strand). Cytogenetic location: 6p21.2.
Variant type: single nucleotide variant.
Coding change: c.11379G>A on transcript NM_001206927.2 (MANE Select); coding-DNA position 11379, G replaced by A.
Protein change: p.Thr3793=; no amino-acid change (threonine 3793 retained).
Molecular consequence: synonymous variant.
Genome position (GRCh38, 1-based): chr6:38,931,915, G>A. VCF-style: chr6-38931915-G-A. GRCh37 (hg19) VCF-style: chr6-38899691-G-A.
Other names: c.10728G>A, p.Thr3576= (NM_001371.4).
Identifiers: ClinVar variation 238631 (VCV000238631.36), dbSNP rs112903128, ClinGen allele CA3791032.
Genomic context (GRCh38, chr6:38,931,915, plus strand): 5'-ACTTTACATTACTACGAAGTTACCAAATCCTGCCTTTACCCCAGAGATTAATGCTAAAAC[G>A]TCAGTCATTGATTTCACTGTTACAATGAAAGGACTTGAGAATCAGTTACTAAGGAGAGTC-3'
Protein context (NP_001193856.1, residues 3783-3803): PAFTPEINAK[Thr3793=]SVIDFTVTMK